The following is an entry in ClinVar:

ClinVar aggregate classification (germline): Conflicting classifications of pathogenicity. Review status: criteria provided, conflicting classifications (1 of 4 stars). 3 submissions from 3 submitters: Uncertain significance (1); Likely benign (1). 1 of the submissions does not count toward it. Last evaluated 2025-06-03.

Conditions:
CTR9-related disorder. Also called: CTR9-related condition.

Allele frequency attached by ClinVar (database versions not stated): gnomAD exomes 0.00016; 1000 Genomes Project 0.00020; ExAC 0.00024; 1000 Genomes Project 30x 0.00031; gnomAD 0.00038 and 0.00042; TOPMed 0.00056; ESP Exome Variant Server 0.00085.
gnomAD v4.1: 127 of 1,614,040 alleles (0.0079%); highest among the groups gnomAD compares: African/African-American, 0.13%; no homozygotes.

Submissions (3):

Labcorp Genetics (formerly Invitae), Labcorp
Classification: Likely benign. Last evaluated: 2025-06-03. Review status: criteria provided, single submitter. Criteria: Invitae Variant Classification Sherloc (09022015). Collection method: clinical testing. Allele origin: germline.

GeneDx
Classification: Uncertain significance. Last evaluated: 2024-09-17. Review status: criteria provided, single submitter. Criteria: GeneDx Variant Classification Process June 2021. Collection method: clinical testing. Allele origin: germline. Affected: yes.
Comment: In silico analysis indicates that this missense variant does not alter protein structure/function; Has not been previously published as pathogenic or benign to our knowledge

PreventionGenetics, part of Exact Sciences
Classification: Likely benign for CTR9-related condition. Last evaluated: 2022-06-07. Review status: no assertion criteria provided. Collection method: clinical testing. Allele origin: germline. Not counted in ClinVar's aggregate classification.
Comment: This variant is classified as likely benign based on ACMG/AMP sequence variant interpretation guidelines (Richards et al. 2015 PMID: 25741868, with internal and published modifications).

NM_014633.5(CTR9):c.3146G>A (p.Arg1049Gln)

Gene: CTR9 (CTR9 component of Paf1/RNA polymerase II complex; plus strand). Cytogenetic location: 11p15.4.
Variant type: single nucleotide variant.
Coding change: c.3146G>A on transcript NM_014633.5 (MANE Select); coding-DNA position 3146, G replaced by A.
Protein change: p.Arg1049Gln; replaces arginine 1049 with glutamine.
Molecular consequence: missense variant.
Genome position (GRCh38, 1-based): chr11:10,778,729, G>A. VCF-style: chr11-10778729-G-A. GRCh37 (hg19) VCF-style: chr11-10800276-G-A.
Other names: c.3074G>A, p.Arg1025Gln (NM_001346279.2); c.3146G>A (NM_014633.4); short protein forms R1025Q, R1049Q.
Identifiers: ClinVar variation 1557455 (VCV001557455.11), dbSNP rs143951897, ClinGen allele CA5885527.